The following is an entry in ClinVar:

NM_001378454.1(ALMS1):c.6968C>T (p.Thr2323Ile)

Gene: ALMS1 (ALMS1 centrosome and basal body associated protein; plus strand). Cytogenetic location: 2p13.1.
Variant type: single nucleotide variant.
Coding change: c.6968C>T on transcript NM_001378454.1 (MANE Select); coding-DNA position 6968, C replaced by T.
Protein change: p.Thr2323Ile; replaces threonine 2323 with isoleucine.
Molecular consequence: missense variant.
Genome position (GRCh38, 1-based): chr2:73,453,495, C>T. VCF-style: chr2-73453495-C-T. GRCh37 (hg19) VCF-style: chr2-73680622-C-T.
Other names: c.6971C>T, p.Thr2324Ile (NM_015120.4); short protein forms T2324I, T2323I.
Identifiers: ClinVar variation 1491842 (VCV001491842.3), dbSNP rs1671994565, ClinGen allele CA347290303.

ClinVar aggregate classification (germline): Uncertain significance (1 of 4 stars; one submission).

Conditions:
Alstrom syndrome (ALMS). Identifiers: Orphanet 64, MedGen C0268425, MONDO:0008763, OMIM 203800.

Allele frequency attached by ClinVar (database versions not stated): TOPMed below 0.00001.
gnomAD v4.1: 1 of 1,613,448 alleles (0.000062%); highest among the groups gnomAD compares: African/African-American, 0.0013%; no homozygotes.

Submission:

Labcorp Genetics (formerly Invitae), Labcorp
Classification: Uncertain significance for Alstrom syndrome. Last evaluated: 2021-03-22. Review status: criteria provided, single submitter. Criteria: Invitae Variant Classification Sherloc (09022015). Collection method: clinical testing. Allele origin: germline.
Comment: This sequence change replaces threonine with isoleucine at codon 2324 of the ALMS1 protein (p.Thr2324Ile). The threonine residue is weakly conserved and there is a moderate physicochemical difference between threonine and isoleucine. This variant is not present in population databases (ExAC no frequency). This variant has not been reported in the literature in individuals with ALMS1-related conditions. Experimental studies and prediction algorithms are not available or were not evaluated, and the functional significance of this variant is currently unknown. In summary, the available evidence is currently insufficient to determine the role of this variant in disease. Therefore, it has been classified as a Variant of Uncertain Significance.